The following is an entry in ClinVar:

NM_001041.4(SI):c.*198G>T

Gene: SI (sucrase-isomaltase; minus strand). Cytogenetic location: 3q26.1.
Variant type: single nucleotide variant.
Coding change: c.*198G>T on transcript NM_001041.4 (MANE Select); 198 bases downstream of the stop codon, G replaced by T.
Molecular consequence: 3 prime UTR variant.
Genome position (GRCh38, 1-based): chr3:164,979,164, C>A on the plus strand (G>T on the coding strand, the complement: SI is on the minus strand). VCF-style: chr3-164979164-C-A. GRCh37 (hg19) VCF-style: chr3-164696952-C-A.
Identifiers: ClinVar variation 900516 (VCV000900516.4), dbSNP rs146143233, ClinGen allele CA87235990.
Genomic context (GRCh38, chr3:164,979,164, plus strand): 5'-TACAATTGTAGCTGATACTTAACAAGGATAAATAGGGCTATTCAAATTTTGTTAAATATG[C>A]CTTAAAATTGAATCCAAGTCACATTACTATAATAAAATTAGCATTATCATTGATGTACGC-3'

ClinVar aggregate classification (germline): Benign (1 of 4 stars; one submission).

Conditions:
Sucrase-isomaltase deficiency (CSID). Also called: SI DEFICIENCY; Deficiency of isomaltase; Congenital sucrose isomaltose malabsorption; Sucrose isomaltose enzyme deficiency. Identifiers: Orphanet 35122, MedGen C1283620, MONDO:0009114, OMIM 222900.

Allele frequency attached by ClinVar (database versions not stated): gnomAD exomes 0.00107; 1000 Genomes Project 30x 0.00796; 1000 Genomes Project 0.00819; gnomAD 0.00840 and 0.00908; TOPMed 0.00930.

Submission:

Illumina Laboratory Services, Illumina
Classification: Benign for Sucrase-isomaltase deficiency. Last evaluated: 2017-04-27. Review status: criteria provided, single submitter. Criteria: ICSL Variant Classification Criteria 13 December 2019. Collection method: clinical testing. Allele origin: germline.
Comment: This variant was observed as part of a predisposition screen in an ostensibly healthy population. A literature search was performed for the gene, cDNA change, and amino acid change (where applicable). No publications were found based on this search. Allele frequency data from public databases was too high to be consistent with this variant causing disease. Therefore, this variant is classified as benign.